The following is an entry in ClinVar:

NM_001267550.2(TTN):c.53616del (p.Glu17873fs)

Genes: TTN (titin; minus strand), TTN-AS1 (TTN antisense RNA 1; plus strand). Cytogenetic location: 2q31.2.
Variant type: Deletion.
Coding change: c.53616del on transcript NM_001267550.2 (MANE Select); coding-DNA position 53616, one base deleted (T; older notation c.53616delT).
Protein change: p.Glu17873fs; shifts the reading frame from glutamic acid 17873.
Molecular consequence: frameshift variant.
Genome position (GRCh38, 1-based): chr2:178,605,679, A deleted on the plus strand (T on the coding strand, the reverse complement: TTN is on the minus strand). VCF-style (leftmost placement, unchanged base first): chr2-178605678-CA-C. GRCh37 (hg19) VCF-style: chr2-179470405-CA-C.
Other names: c.48693del, p.Glu16232fs (NM_001256850.1); c.26421del, p.Glu8808fs (NM_003319.4); c.45912del, p.Glu15305fs (NM_133378.4); c.26796del, p.Glu8933fs (NM_133432.3); c.26997del, p.Glu9000fs (NM_133437.4); c.26421delT (NM_003319.4); short protein forms E16232fs, E8808fs, E15305fs, E17873fs, E9000fs, E8933fs.
Identifiers: ClinVar variation 1794204 (VCV001794204.7), dbSNP rs2470202207, ClinGen allele CA2580064919.

ClinVar aggregate classification (germline): Likely pathogenic. Review status: criteria provided, multiple submitters, no conflicts (2 of 4 stars). 2 submissions from 2 submitters: Likely pathogenic (2). Last evaluated 2022-07-17.

Conditions:
Cardiovascular phenotype. Identifiers: MedGen CN230736.
Autosomal recessive limb-girdle muscular dystrophy type 2J (LGMDR10). Also called: Limb-girdle muscular dystrophy, type 2J; MUSCULAR DYSTROPHY, LIMB-GIRDLE, AUTOSOMAL RECESSIVE 10. Identifiers: Orphanet 140922, MedGen C1837342, MONDO:0012127, OMIM 608807.
Dilated cardiomyopathy 1G (CMD1G). Identifiers: Orphanet 154, MedGen C1858763, MONDO:0011400, OMIM 604145.

Submissions (2):

Labcorp Genetics (formerly Invitae), Labcorp
Classification: Likely pathogenic for Dilated cardiomyopathy 1G; Autosomal recessive limb-girdle muscular dystrophy type 2J. Last evaluated: 2022-07-17. Review status: criteria provided, single submitter. Criteria: Invitae Variant Classification Sherloc (09022015). Collection method: clinical testing. Allele origin: germline.
Comment: This sequence change creates a premature translational stop signal (p.Glu17873Lysfs*82) in the TTN gene. While this is not anticipated to result in nonsense mediated decay, it is expected to create a truncated TTN protein. This variant is not present in population databases (gnomAD no frequency). This variant has not been reported in the literature in individuals affected with TTN-related conditions. This variant is located in the A band of TTN (PMID: 25589632). Truncating variants in this region are significantly overrepresented in patients affected with dilated cardiomyopathy (PMID: 25589632). Truncating variants in this region have also been reported in individuals affected with autosomal recessive centronuclear myopathy (PMID: 23975875). In summary, the currently available evidence indicates that the variant is pathogenic, but additional data are needed to prove that conclusively. Therefore, this variant has been classified as Likely Pathogenic.

Ambry Genetics
Classification: Likely pathogenic for Cardiovascular phenotype. Last evaluated: 2021-12-07. Review status: criteria provided, single submitter. Criteria: Ambry Variant Classification Scheme 2023. Collection method: clinical testing. Allele origin: germline.
Comment: The c.26421delT variant, located in coding exon 106 of the TTN gene, results from a deletion of one nucleotide at nucleotide position 26421, causing a translational frameshift with a predicted alternate stop codon (p.E8808Kfs*82). This exon is located in the A-band region of the N2-B isoform of the titin protein and is constitutively expressed in TTN transcripts (percent spliced in or PSI 100%). This alteration is expected to result in loss of function by premature protein truncation or nonsense-mediated mRNA decay. While truncating variants in TTN are present in 1-3% of the general population, truncating variants in the A-band are the most common cause of dilated cardiomyopathy (DCM) (Herman DS et al. N. Engl. J. Med., 2012 Feb;366:619-28; Roberts AM et al. Sci Transl Med, 2015 Jan;7:270ra6). TTN truncating variants encoded in constitutive exons (PSI >90%) have been found to be significantly associated with DCM regardless of their position in titin (Schafer S et al. Nat. Genet., 2017 01;49:46-53). As such, this alteration is classified as likely pathogenic.

Literature cited by the submitters: PubMed 25589632 (cited by Labcorp Genetics (formerly Invitae), Labcorp); PubMed 23975875 (cited by Labcorp Genetics (formerly Invitae), Labcorp).